The following is an entry in ClinVar:

ClinVar aggregate classification (germline): Uncertain significance. Review status: criteria provided, multiple submitters, no conflicts (2 of 4 stars). 3 submissions from 3 submitters: Uncertain significance (3). Last evaluated 2025-08-24.

Conditions:
Nephronophthisis. Also called: Juvenile Nephronophthisis. Identifiers: Orphanet 655, MedGen C0687120, MONDO:0019005, HP:0000090.
Renal-hepatic-pancreatic dysplasia 1 (RHPD1). Identifiers: MedGen C3715199, MONDO:0008833, OMIM 208540.
Nephronophthisis 3 (NPHP3). Also called: Adolescent nephronophthisis. Identifiers: Orphanet 655, MedGen C1858392, MONDO:0011456, OMIM 604387.
NPHP3-related Meckel-like syndrome. Also called: GOLDSTON SYNDROME; Meckel syndrome type 7. Identifiers: Orphanet 3032, MedGen C2673885, MONDO:0009966, OMIM 267010.
Inborn genetic diseases. Identifiers: MedGen C0950123, MeSH D030342.

Allele frequency attached by ClinVar (database versions not stated): gnomAD exomes below 0.00001 and 0.00002; ExAC 0.00001; TOPMed 0.00002.
gnomAD v4.1: 26 of 1,614,014 alleles (0.0016%); highest among the groups gnomAD compares: Non-Finnish European, 0.0019%; no homozygotes.

Submissions (3):

Ambry Genetics
Classification: Uncertain significance for Inborn genetic diseases. Last evaluated: 2025-08-24. Review status: criteria provided, single submitter. Criteria: Ambry Variant Classification Scheme 2023. Collection method: clinical testing. Allele origin: germline.

Labcorp Genetics (formerly Invitae), Labcorp
Classification: Uncertain significance for Nephronophthisis. Last evaluated: 2024-11-11. Review status: criteria provided, single submitter. Criteria: Invitae Variant Classification Sherloc (09022015). Collection method: clinical testing. Allele origin: germline.
Comment: This sequence change replaces arginine, which is basic and polar, with cysteine, which is neutral and slightly polar, at codon 1074 of the NPHP3 protein (p.Arg1074Cys). This variant is present in population databases (rs750800732, gnomAD 0.0009%). This variant has not been reported in the literature in individuals affected with NPHP3-related conditions. ClinVar contains an entry for this variant (Variation ID: 1492798). Invitae Evidence Modeling of protein sequence and biophysical properties (such as structural, functional, and spatial information, amino acid conservation, physicochemical variation, residue mobility, and thermodynamic stability) indicates that this missense variant is not expected to disrupt NPHP3 protein function with a negative predictive value of 80%. In summary, the available evidence is currently insufficient to determine the role of this variant in disease. Therefore, it has been classified as a Variant of Uncertain Significance.

Fulgent Genetics
Classification: Uncertain significance for Renal-hepatic-pancreatic dysplasia 1; NPHP3-related Meckel-like syndrome; Nephronophthisis 3. Last evaluated: 2024-05-24. Review status: criteria provided, single submitter. Criteria: ACMG Guidelines, 2015. Collection method: clinical testing. Allele origin: germline.

NM_153240.5(NPHP3):c.3220C>T (p.Arg1074Cys)

Genes: NPHP3 (nephrocystin 3; minus strand), NPHP3-ACAD11 (NPHP3-ACAD11 readthrough (NMD candidate); minus strand). Cytogenetic location: 3q22.1.
Variant type: single nucleotide variant.
Coding change: c.3220C>T on transcript NM_153240.5 (MANE Select); coding-DNA position 3220, C replaced by T.
Protein change: p.Arg1074Cys; replaces arginine 1074 with cysteine.
Molecular consequence: missense variant. On other transcripts: non-coding transcript variant (1).
Genome position (GRCh38, 1-based): chr3:132,686,369, G>A on the plus strand (C>T on the coding strand, the complement: NPHP3 is on the minus strand). VCF-style: chr3-132686369-G-A. GRCh37 (hg19) VCF-style: chr3-132405213-G-A.
Other names: c.3220C>T (NM_153240.4); short protein forms R1074C.
Identifiers: ClinVar variation 1492798 (VCV001492798.9), dbSNP rs750800732, ClinGen allele CA2621797.